The following is an entry in ClinVar:

ClinVar aggregate classification (germline): Uncertain significance (1 of 4 stars; one submission).

Conditions:
Hereditary cancer-predisposing syndrome. Also called: Hereditary Cancer Syndrome; Neoplastic Syndromes, Hereditary; Tumor predisposition; Hereditary neoplastic syndrome. Identifiers: Orphanet 140162, MedGen C0027672, MeSH D009386, MONDO:0015356.

Submission:

Color Diagnostics, LLC DBA Color Health
Classification: Uncertain significance for Hereditary cancer-predisposing syndrome. Last evaluated: 2024-03-06. Review status: criteria provided, single submitter. Criteria: ACMG Guidelines, 2015. Collection method: clinical testing. Allele origin: germline.
Comment: This missense variant replaces serine with arginine at codon 473 of the BAP1 protein. Computational prediction suggests that this variant may not impact protein structure and function (internally defined REVEL score threshold <= 0.5, PMID: 27666373). To our knowledge, functional studies have not been reported for this variant. This variant has not been reported in individuals affected with BAP1-related disorders in the literature. This variant has not been identified in the general population by the Genome Aggregation Database (gnomAD). The available evidence is insufficient to determine the role of this variant in disease conclusively. Therefore, this variant is classified as a Variant of Uncertain Significance.

NM_004656.4(BAP1):c.1419T>G (p.Ser473Arg)

Gene: BAP1 (BRCA1 associated deubiquitinase 1; minus strand). Cytogenetic location: 3p21.1.
Variant type: single nucleotide variant.
Coding change: c.1419T>G on transcript NM_004656.4 (MANE Select); coding-DNA position 1419, T replaced by G.
Protein change: p.Ser473Arg; replaces serine 473 with arginine.
Molecular consequence: missense variant.
Genome position (GRCh38, 1-based): chr3:52,403,726, A>C on the plus strand (T>G on the coding strand, the complement: BAP1 is on the minus strand). VCF-style: chr3-52403726-A-C. GRCh37 (hg19) VCF-style: chr3-52437742-A-C.
Other names: c.1419T>G (LRG_529t1); short protein forms S473R.
Identifiers: ClinVar variation 489617 (VCV000489617.6), dbSNP rs1553644936, ClinGen allele CA353101453.
Genomic context (GRCh38, chr3:52,403,726, plus strand): 5'-TGTACTCTCATTGCTGGGGGTGGGTGAGGGCTGCGAGTGTGTGGGCACTGCCACAGCCGG[A>C]CTCCCAGCCCCGCTGCTAGTCTTGATGGACAGAGGAATTGAGAGGTCCTTCTGGGACTCT-3'
Protein context (NP_004647.1, residues 463-483): LSIKTSSGAG[Ser473Arg]PAVAVPTHSQ